The following is an entry in ClinVar:

NM_138295.5(PKD1L1):c.7279G>A (p.Val2427Met)

Genes: PKD1L1 (polycystin 1 like 1, transient receptor potential channel interacting; minus strand), PKD1L1-AS1 (PKD1L1 antisense RNA 1; plus strand). Cytogenetic location: 7p12.3.
Variant type: single nucleotide variant.
Coding change: c.7279G>A on transcript NM_138295.5 (MANE Select); coding-DNA position 7279, G replaced by A.
Protein change: p.Val2427Met; replaces valine 2427 with methionine.
Molecular consequence: missense variant.
Genome position (GRCh38, 1-based): chr7:47,813,188, C>T on the plus strand (G>A on the coding strand, the complement: PKD1L1 is on the minus strand). VCF-style: chr7-47813188-C-T. GRCh37 (hg19) VCF-style: chr7-47852786-C-T.
Other names: c.7279G>A (NM_138295.3); short protein forms V2427M.
Identifiers: ClinVar variation 1708779 (VCV001708779.5), dbSNP rs149025049, ClinGen allele CA4252063.
Genomic context (GRCh38, chr7:47,813,188, plus strand): 5'-TGCCCAGGCTGAGCACACAGTCCTCCCTTGTCCCACAGCCCCCAGGACCATTCAGGGTCA[C>T]GTTTTGGTTCTCTGGGTCTATCAGGTAGGGGTTCTCAGGGCCTCCAACTTCGGGACTACA-3'
Protein context (NP_612152.1, residues 2417-2437): PYLIDPENQN[Val2427Met]TLNGPGGCGT

ClinVar aggregate classification (germline): Conflicting classifications of pathogenicity. Review status: criteria provided, conflicting classifications (1 of 4 stars). 3 submissions from 3 submitters: Uncertain significance (1); Likely benign (1). 1 of the submissions does not count toward it. Last evaluated 2023-11-27.

Conditions:
PKD1L1-related disorder. Also called: PKD1L1-related condition.
Inborn genetic diseases. Identifiers: MedGen C0950123, MeSH D030342.

Allele frequency attached by ClinVar (database versions not stated): gnomAD exomes 0.00008; ExAC 0.00030; 1000 Genomes Project 30x 0.00031; 1000 Genomes Project 0.00040; TOPMed 0.00046; gnomAD 0.00048; ESP Exome Variant Server 0.00054.
gnomAD v4.1: 196 of 1,614,202 alleles (0.012%); highest among the groups gnomAD compares: African/African-American, 0.11%; no homozygotes.

Submissions (3):

Ambry Genetics
Classification: Likely benign for Inborn genetic diseases. Last evaluated: 2023-11-27. Review status: criteria provided, single submitter. Criteria: Ambry Variant Classification Scheme 2023. Collection method: clinical testing. Allele origin: germline.

GeneDx
Classification: Uncertain significance. Last evaluated: 2022-04-08. Review status: criteria provided, single submitter. Criteria: GeneDx Variant Classification Process June 2021. Collection method: clinical testing. Allele origin: germline. Affected: yes.
Comment: In silico analysis supports that this missense variant does not alter protein structure/function; Has not been previously published as pathogenic or benign to our knowledge

PreventionGenetics, part of Exact Sciences
Classification: Likely benign for PKD1L1-related condition. Last evaluated: 2022-02-21. Review status: no assertion criteria provided. Collection method: clinical testing. Allele origin: germline. Not counted in ClinVar's aggregate classification.
Comment: This variant is classified as likely benign based on ACMG/AMP sequence variant interpretation guidelines (Richards et al. 2015 PMID: 25741868, with internal and published modifications).